The following is an entry in ClinVar:

NM_001281740.3(FHOD3):c.4709T>C (p.Val1570Ala)

Gene: FHOD3 (formin homology 2 domain containing 3; plus strand). Cytogenetic location: 18q12.2.
Variant type: single nucleotide variant.
Coding change: c.4709T>C on transcript NM_001281740.3 (MANE Select); coding-DNA position 4709, T replaced by C.
Protein change: p.Val1570Ala; replaces valine 1570 with alanine.
Molecular consequence: missense variant.
Genome position (GRCh38, 1-based): chr18:36,769,349, T>C. VCF-style: chr18-36769349-T-C. GRCh37 (hg19) VCF-style: chr18-34349312-T-C.
Other names: c.4109T>C, p.Val1370Ala (NM_001281739.3); c.4160T>C, p.Val1387Ala (NM_025135.5); short protein forms V1370A, V1387A, V1570A.
Identifiers: ClinVar variation 4886058 (VCV004886058.2).

ClinVar aggregate classification (germline): Uncertain significance (1 of 4 stars; one submission).

gnomAD v4.1: 8 of 1,614,014 alleles (0.0005%); highest among the groups gnomAD compares: Non-Finnish European, 0.00068%; no homozygotes.

Submission:

Dasa
Classification: Uncertain significance. Last evaluated: 2025-07-10. Review status: criteria provided, single submitter. Criteria: DASA Assertion Criteria. Collection method: clinical testing. Allele origin: germline.
Comment: NM_001281740.3(FHOD3):c.4709T>C (p.Val1570Ala) is a missense variant that results in the substitution of valine with alanine. This variant is rare in population databases. Computational prediction algorithms are consistent with a benign effect. The currently available literature and clinical evidence are not sufficient to establish a definitive association between this variant and the reported condition. Therefore, this variant is classified as a variant of uncertain significance.